The following is an entry in ClinVar:

ClinVar aggregate classification (germline): Uncertain significance (1 of 4 stars; one submission).

Conditions:
Inborn genetic diseases. Identifiers: MedGen C0950123, MeSH D030342.

Submission:

Ambry Genetics
Classification: Uncertain significance for Inborn genetic diseases. Last evaluated: 2025-07-30. Review status: criteria provided, single submitter. Criteria: Ambry Variant Classification Scheme 2023. Collection method: clinical testing. Allele origin: germline.
Comment: The c.1158C>A (p.F386L) alteration is located in exon 8 (coding exon 8) of the SLC6A8 gene. This alteration results from a C to A substitution at nucleotide position 1158, causing the phenylalanine (F) at amino acid position 386 to be replaced by a leucine (L). This variant was not reported in population-based cohorts in the Genome Aggregation Database (gnomAD). This amino acid position is highly conserved in available vertebrate species. This alteration is predicted to be deleterious by in silico analysis. Based on insufficient or conflicting evidence, the clinical significance of this alteration remains unclear.

NM_005629.4(SLC6A8):c.1158C>A (p.Phe386Leu)

Gene: SLC6A8 (solute carrier family 6 member 8; plus strand). Cytogenetic location: Xq28.
Variant type: single nucleotide variant.
Coding change: c.1158C>A on transcript NM_005629.4 (MANE Select); coding-DNA position 1158, C replaced by A.
Protein change: p.Phe386Leu; replaces phenylalanine 386 with leucine.
Molecular consequence: missense variant.
Genome position (GRCh38, 1-based): chrX:153,693,921, C>A. VCF-style: chrX-153693921-C-A. GRCh37 (hg19) VCF-style: chrX-152959376-C-A.
Other names: c.1128C>A, p.Phe376Leu (NM_001142805.2); c.813C>A, p.Phe271Leu (NM_001142806.1); short protein forms F376L, F386L, F271L.
Identifiers: ClinVar variation 4169074 (VCV004169074.1).
Genomic context (GRCh38, chrX:153,693,921, plus strand): 5'-CAGGACATCGGCTACAAGGTCTAGAGCCTGCACCTTTCCCACAGGGCCGGGCCTGGCCTT[C>A]ATCGCCTACCCGCGGGCTGTCACGCTGATGCCAGTGGCCCCACTCTGGGCTGCCCTGTTC-3'
Protein context (NP_005620.1, residues 376-396): KVAESGPGLA[Phe386Leu]IAYPRAVTLM